The following is an entry in ClinVar:

ClinVar aggregate classification (germline): Uncertain significance (1 of 4 stars; one submission).

Allele frequency attached by ClinVar (database versions not stated): ESP Exome Variant Server 0.00008.
gnomAD v4.1: 12 of 1,614,090 alleles (0.00074%); highest among the groups gnomAD compares: African/African-American, 0.015%; no homozygotes.

Submission:

Labcorp Genetics (formerly Invitae), Labcorp
Classification: Uncertain significance. Last evaluated: 2022-09-06. Review status: criteria provided, single submitter. Criteria: Invitae Variant Classification Sherloc (09022015). Collection method: clinical testing. Allele origin: germline.
Comment: In summary, the available evidence is currently insufficient to determine the role of this variant in disease. Therefore, it has been classified as a Variant of Uncertain Significance. Algorithms developed to predict the effect of missense changes on protein structure and function are either unavailable or do not agree on the potential impact of this missense change (SIFT: "Tolerated"; PolyPhen-2: "Probably Damaging"; Align-GVGD: "Class C0"). This sequence change replaces asparagine, which is neutral and polar, with lysine, which is basic and polar, at codon 331 of the RFWD3 protein (p.Asn331Lys). This variant is present in population databases (rs200972788, gnomAD 0.02%). This variant has not been reported in the literature in individuals affected with RFWD3-related conditions.

NM_018124.4(RFWD3):c.993C>A (p.Asn331Lys)

Gene: RFWD3 (ring finger and WD repeat domain 3; minus strand). Cytogenetic location: 16q23.1.
Variant type: single nucleotide variant.
Coding change: c.993C>A on transcript NM_018124.4 (MANE Select); coding-DNA position 993, C replaced by A.
Protein change: p.Asn331Lys; replaces asparagine 331 with lysine.
Molecular consequence: missense variant.
Genome position (GRCh38, 1-based): chr16:74,644,448, G>T on the plus strand (C>A on the coding strand, the complement: RFWD3 is on the minus strand). VCF-style: chr16-74644448-G-T. GRCh37 (hg19) VCF-style: chr16-74678346-G-T.
Other names: c.993C>A, p.Asn331Lys (NM_001370534.1, NM_001370535.1, NM_001370536.1); c.159C>A, p.Asn53Lys (NM_001370537.1, NM_001370539.1, NM_001370540.1 and 3 more transcripts); short protein forms N53K, N331K.
Identifiers: ClinVar variation 2101658 (VCV002101658.4), dbSNP rs200972788, ClinGen allele CA283752767.
Genomic context (GRCh38, chr16:74,644,448, plus strand): 5'-GTCCAAAGCTCTCAGGGTTCGGGCATAAAGGACGACAATGTCACTGTGCCTGGCTTTCTT[G>T]TTGCACTAAAGAACCCAATAGGACATAATTAGAGTGGTTCTAGGAATCTGCCTGACTTAA-3'
Protein context (NP_060594.3, residues 321-341): KGQVRKCPQC[Asn331Lys]KKARHSDIVV